The following is an entry in ClinVar:

ClinVar aggregate classification (germline): Uncertain significance (1 of 4 stars; one submission).

Conditions:
Exudative vitreoretinopathy 1 (EVR1). Also called: FEVR, AUTOSOMAL DOMINANT; Familial exudative vitreoretinopathy, autosomal dominant; CRISWICK-SCHEPENS SYNDROME. Identifiers: Orphanet 891, Orphanet 90050, MedGen C1851402, MONDO:0007589, OMIM 133780.

Submission:

Lishui Key Laboratory of Birth Defect, Prevention and Control, Lishui Maternity and Child Health Care Hospital
Classification: Uncertain significance for Exudative vitreoretinopathy 1. Last evaluated: 2021-04-29. Review status: criteria provided, single submitter. Criteria: ACMG Guidelines, 2015. Collection method: clinical testing. Allele origin: germline. Inheritance: Autosomal dominant inheritance. Affected: yes.
Comment: The variant is absent from gnomAD, ExAC, and 1000 Genomes. In silico prediction (REVEL) supports a deleterious effect. However, no functional studies or previous clinical reports are available. According to ACMG guidelines, this variant is classified as of uncertain significance (PM2_Supporting, PP3, PP4).

NM_012193.4(FZD4):c.977C>T (p.Thr326Ile)

Genes: FZD4 (frizzled class receptor 4; minus strand), PRSS23 (serine protease 23; plus strand). Cytogenetic location: 11q14.2.
Variant type: single nucleotide variant.
Coding change: c.977C>T on transcript NM_012193.4 (MANE Select); coding-DNA position 977, C replaced by T.
Protein change: p.Thr326Ile; replaces threonine 326 with isoleucine.
Molecular consequence: missense variant. On other transcripts: non-coding transcript variant (2).
Genome position (GRCh38, 1-based): chr11:86,951,779, G>A on the plus strand (C>T on the coding strand, the complement: FZD4 is on the minus strand). VCF-style: chr11-86951779-G-A. GRCh37 (hg19) VCF-style: chr11-86662821-G-A.
Other names: NP_036325.1:p.Thr326Ile; chr11:g.86662821G>A (GRCh37); short protein forms T326I.
Identifiers: ClinVar variation 4087747 (VCV004087747.1).